The following is an entry in ClinVar:

NM_004736.4(XPR1):c.421A>G (p.Ser141Gly)

Gene: XPR1 (xenotropic and polytropic retrovirus receptor 1; plus strand). Cytogenetic location: 1q25.3.
Variant type: single nucleotide variant.
Coding change: c.421A>G on transcript NM_004736.4 (MANE Select); coding-DNA position 421, A replaced by G.
Protein change: p.Ser141Gly; replaces serine 141 with glycine.
Molecular consequence: missense variant. On other transcripts: non-coding transcript variant (1).
Genome position (GRCh38, 1-based): chr1:180,803,585, A>G. VCF-style: chr1-180803585-A-G. GRCh37 (hg19) VCF-style: chr1-180772721-A-G.
Other names: c.421A>G, p.Ser141Gly (NM_001135669.2, NM_001328662.2); short protein forms S141G.
Identifiers: ClinVar variation 2579419 (VCV002579419.1), dbSNP rs879733609, ClinGen allele CA34130974.
Genomic context (GRCh38, chr1:180,803,585, plus strand): 5'-GAACGTGTCCAACATAGAAATATTAAAGACCTTAAACTGGCCTTCAGTGAGTTCTACCTC[A>G]GTCTAATCCTGCTGCAGAACTATCAGGTACTTAGATTCTTACCCTAGAAAATGGCACCTT-3'
Protein context (NP_004727.2, residues 131-151): LKLAFSEFYL[Ser141Gly]LILLQNYQNL

ClinVar aggregate classification (germline): Uncertain significance (1 of 4 stars; one submission).

Submission:

GeneDx
Classification: Uncertain significance. Last evaluated: 2023-03-09. Review status: criteria provided, single submitter. Criteria: GeneDx Variant Classification Process June 2021. Collection method: clinical testing. Allele origin: germline. Affected: yes.
Comment: Not observed at significant frequency in large population cohorts (gnomAD); In silico analysis supports that this missense variant has a deleterious effect on protein structure/function; Has not been previously published as pathogenic or benign to our knowledge